The following is an entry in ClinVar:

NM_001332.4(CTNND2):c.803C>A (p.Pro268Gln)

Gene: CTNND2 (catenin delta 2; minus strand). Cytogenetic location: 5p15.2.
Variant type: single nucleotide variant.
Coding change: c.803C>A on transcript NM_001332.4 (MANE Select); coding-DNA position 803, C replaced by A.
Protein change: p.Pro268Gln; replaces proline 268 with glutamine.
Molecular consequence: missense variant. On other transcripts: intron variant (3).
Genome position (GRCh38, 1-based): chr5:11,385,039, G>T on the plus strand (C>A on the coding strand, the complement: CTNND2 is on the minus strand). VCF-style: chr5-11385039-G-T. GRCh37 (hg19) VCF-style: chr5-11385151-G-T.
Other names: c.530C>A, p.Pro177Gln (NM_001288715.1); c.-123+11992C>A (NM_001288717.2); c.167-20149C>A (NM_001364128.2, NM_001288716.1); short protein forms P268Q, P177Q.
Identifiers: ClinVar variation 521010 (VCV000521010.28), dbSNP rs765655737, ClinGen allele CA3201024.

ClinVar aggregate classification (germline): Conflicting classifications of pathogenicity. Review status: criteria provided, conflicting classifications (1 of 4 stars). 3 submissions from 3 submitters: Uncertain significance (2); Benign (1). Last evaluated 2024-02-01.

Conditions:
Inborn genetic diseases. Identifiers: MedGen C0950123, MeSH D030342.

Allele frequency attached by ClinVar (database versions not stated): ExAC below 0.00001; gnomAD exomes 0.00062; TOPMed 0.00094.
gnomAD v4.1: 1,650 of 1,177,374 alleles (0.14%); highest among the groups gnomAD compares: Non-Finnish European, 0.14%; 1 homozygote.

Submissions (3):

CeGaT Center for Human Genetics Tuebingen
Classification: Uncertain significance. Last evaluated: 2024-02-01. Review status: criteria provided, single submitter. Criteria: CeGaT Center For Human Genetics Tuebingen Variant Classification Criteria Version 2. Collection method: clinical testing. Allele origin: germline. Affected: yes. Observed: 1 variant allele.
Comment: CTNND2: PP2, PP3

GeneDx
Classification: Benign. Last evaluated: 2020-08-27. Review status: criteria provided, single submitter. Criteria: GeneDx Variant Classification Process June 2021. Collection method: clinical testing. Allele origin: germline. Affected: yes.

Ambry Genetics
Classification: Uncertain significance for Hereditary disease. Last evaluated: 2016-04-05. Review status: criteria provided, single submitter. Criteria: ambry_reporting_categories_2017. Collection method: clinical testing. Allele origin: germline. Affected: yes. Observed: 1 heterozygote. Segregation with disease observed.
Comment: Lines of evidence used in support of classification: UNCERTAIN: Alteration(s) of Uncertain Clinical Significance Detected

Literature cited by the submitters: PubMed 15733271 (cited by Ambry Genetics); PubMed 25807484 (cited by Ambry Genetics); PubMed 12835311 (cited by Ambry Genetics); PubMed 25839933 (cited by Ambry Genetics); PubMed 25106414 (cited by Ambry Genetics); PubMed 25473103 (cited by Ambry Genetics); PubMed 26601658 (cited by Ambry Genetics); PubMed 29127138 (cited by Ambry Genetics).